The following is an entry in ClinVar:

ClinVar aggregate classification (germline): Benign. Review status: criteria provided, multiple submitters, no conflicts (2 of 4 stars). 11 submissions from 11 submitters: Benign (11). Last evaluated 2026-03-23.

Conditions:
Hereditary breast ovarian cancer syndrome. Also called: BRCA1- and BRCA2-Associated Hereditary Breast and Ovarian Cancer; Hereditary breast and/or ovarian cancer syndrome; Hereditary breast and ovarian cancer syndrome (HBOC); Hereditary breast and ovarian cancer syndrome; Hereditary breast and ovarian cancer; Breast and ovarian cancer. Identifiers: Orphanet 145, MedGen C0677776, MeSH D061325, MONDO:0003582. Disease mechanism: loss of function.
Fanconi anemia (FA). Also called: Fanconi's anemia. Identifiers: Orphanet 84, MedGen C0015625, MeSH D005199, MONDO:0019391.
Fanconi anemia complementation group D2. Also called: FANCD2-Related Fanconi Anemia; FANCONI PANCYTOPENIA, TYPE 4; FANCONI ANEMIA, COMPLEMENTATION GROUP D. Identifiers: Orphanet 84, MedGen C3160738, MONDO:0009214, OMIM 227646.

Allele frequency attached by ClinVar (database versions not stated): gnomAD 0.24212 and 0.24889; 1000 Genomes Project 0.24221; 1000 Genomes Project 30x 0.25578; ESP Exome Variant Server 0.26857; gnomAD exomes 0.17245 and 0.18058; ExAC 0.18681; TOPMed 0.25832.
gnomAD v4.1: 289,291 of 1,613,254 alleles (18%); highest among the groups gnomAD compares: African/African-American, 47%; 29,962 homozygotes.

Submissions (11):

Women's Health and Genetics/Laboratory Corporation of America, LabCorp
Classification: Benign. Last evaluated: 2026-03-23. Review status: criteria provided, single submitter. Criteria: LabCorp Variant Classification Summary - May 2015. Collection method: clinical testing. Allele origin: germline.
Comment: Variant summary: FANCD2 c.4098T>G alters a conserved nucleotide resulting in a synonymous change. Consensus agreement among computation tools predict no significant impact on normal splicing. However, these predictions have yet to be confirmed by functional studies. The variant allele was found at a frequency of 0.18 in 251422 control chromosomes in the gnomAD database, including 5040 homozygotes. The observed variant frequency exceeds the estimated maximal expected allele frequency for disease-causing variants in FANCD2. c.4098T>G has been observed in individual(s) affected with sporadic breast cancer cases and in the unaffected controls (Barroso_2006). These report(s) do not provide unequivocal conclusions about association of the variant with Fanconi Anemia. To our knowledge, no experimental evidence demonstrating an impact on protein function has been reported. The following publication has been ascertained in the context of this evaluation (PMID: 16679306). ClinVar contains an entry for this variant (Variation ID: 257081). Based on the evidence outlined above, the variant was classified as benign.

Labcorp Genetics (formerly Invitae), Labcorp
Classification: Benign for Fanconi anemia. Last evaluated: 2026-02-04. Review status: criteria provided, single submitter. Criteria: Invitae Variant Classification Sherloc (09022015). Collection method: clinical testing. Allele origin: germline.

Mayo Clinic Laboratories, Mayo Clinic
Classification: Benign. Last evaluated: 2025-09-16. Review status: criteria provided, single submitter. Criteria: ACMG Guidelines, 2015. Collection method: clinical testing. Allele origin: germline. Observed: 15 variant alleles.
Comment: BA1, BP4, BP7

ARUP Laboratories, Molecular Genetics and Genomics, ARUP Laboratories
Classification: Benign for Fanconi anemia complementation group D2. Last evaluated: 2025-07-18. Review status: criteria provided, single submitter. Criteria: ARUP Molecular Germline Variant Investigation Process 2024. Collection method: clinical testing. Allele origin: germline.

Blueprint Genetics
Classification: Benign. Last evaluated: 2024-11-26. Review status: criteria provided, single submitter. Criteria: ACMG Guidelines, 2015. Collection method: clinical testing. Allele origin: germline.

KCCC/NGS Laboratory, Kuwait Cancer Control Center
Classification: Benign for Fanconi anemia complementation group D2. Last evaluated: 2023-07-07. Review status: criteria provided, single submitter. Criteria: ACMG Guidelines, 2015. Collection method: clinical testing. Allele origin: germline. Affected: yes.

National Health Laboratory Service, Universitas Academic Hospital and University of the Free State
Classification: Benign for Hereditary breast ovarian cancer syndrome. Last evaluated: 2022-04-19. Review status: criteria provided, single submitter. Criteria: ACMG Guidelines, 2015. Collection method: clinical testing. Allele origin: germline. Affected: yes. Observed: 188 variant alleles.

GeneDx
Classification: Benign. Last evaluated: 2019-02-11. Review status: criteria provided, single submitter. Criteria: GeneDx Variant Classification Process June 2021. Collection method: clinical testing. Allele origin: germline. Affected: yes.
Comment: This variant is associated with the following publications: (PMID: 16679306)

Illumina Laboratory Services, Illumina
Classification: Benign for Fanconi anemia complementation group D2. Last evaluated: 2018-03-06. Review status: criteria provided, single submitter. Criteria: ICSL Variant Classification Criteria 13 December 2019. Collection method: clinical testing. Allele origin: germline.
Comment: This variant was observed in the ICSL laboratory as part of a predisposition screen in an ostensibly healthy population. It had not been previously curated by ICSL or reported in the Human Gene Mutation Database (HGMD: prior to June 1st, 2018), and was therefore a candidate for classification through an automated scoring system. Utilizing variant allele frequency, disease prevalence and penetrance estimates, and inheritance mode, an automated score was calculated to assess if this variant is too frequent to cause the disease. Based on the score and internal cut-off values, a variant classified as benign is not then subjected to further curation. The score for this variant resulted in a classification of benign for this disease.

Breakthrough Genomics
Classification: Benign. Review status: criteria provided, single submitter. Criteria: ACMG Guidelines, 2015. Collection method: not provided. Allele origin: germline. Inheritance: Autosomal recessive inheritance. Affected: yes.

PreventionGenetics, part of Exact Sciences
Classification: Benign. Review status: criteria provided, single submitter. Criteria: ACMG Guidelines, 2015. Collection method: clinical testing. Allele origin: germline.

Literature cited by the submitters: PubMed 16679306 (cited by Women's Health and Genetics/Laboratory Corporation of America, LabCorp).

NM_001018115.3(FANCD2):c.4098T>G (p.Leu1366=)

Genes: FANCD2OS (FANCD2 opposite strand; minus strand), FANCD2 (FA complementation group D2; plus strand). Cytogenetic location: 3p25.3.
Variant type: single nucleotide variant.
Coding change: c.4098T>G on transcript NM_001018115.3 (MANE Select); coding-DNA position 4098, T replaced by G.
Protein change: p.Leu1366=; no amino-acid change (leucine 1366 retained).
Molecular consequence: synonymous variant. On other transcripts: intron variant (1).
Genome position (GRCh38, 1-based): chr3:10,096,385, T>G. VCF-style: chr3-10096385-T-G. GRCh37 (hg19) VCF-style: chr3-10138069-T-G.
Other names: NP_001018125.1:p.Leu1366=; p.Leu1366=; c.4098T>G, p.Leu1366= (NM_033084.6, NM_001319984.2); c.*43+7813A>C (NM_173472.2); c.4098T>G (NM_033084.4, NM_033084.5); c.3987T>G, p.Leu1329= (NM_001374253.1); c.4059T>G, p.Leu1353= (NM_001374254.1).
Identifiers: ClinVar variation 257081 (VCV000257081.30), dbSNP rs2272125, ClinGen allele CA2250624.